The following is an entry in ClinVar:

ClinVar aggregate classification (germline): Uncertain significance (1 of 4 stars; one submission).

Conditions:
Cardiovascular phenotype. Identifiers: MedGen CN230736.

Submission:

Ambry Genetics
Classification: Uncertain significance for Cardiovascular phenotype. Last evaluated: 2025-07-09. Review status: criteria provided, single submitter. Criteria: Ambry Variant Classification Scheme 2023. Collection method: clinical testing. Allele origin: germline.
Comment: The p.K291E variant (also known as c.871A>G), located in coding exon 1 of the FKRP gene, results from an A to G substitution at nucleotide position 871. The lysine at codon 291 is replaced by glutamic acid, an amino acid with similar properties. This amino acid position is conserved. In addition, this alteration is predicted to be deleterious by in silico analysis. Based on the available evidence, the clinical significance of this variant remains unclear.

NM_024301.5(FKRP):c.871A>G (p.Lys291Glu)

Gene: FKRP (fukutin related protein; plus strand). Cytogenetic location: 19q13.32.
Variant type: single nucleotide variant.
Coding change: c.871A>G on transcript NM_024301.5 (MANE Select); coding-DNA position 871, A replaced by G.
Protein change: p.Lys291Glu; replaces lysine 291 with glutamic acid.
Molecular consequence: missense variant.
Genome position (GRCh38, 1-based): chr19:46,756,321, A>G. VCF-style: chr19-46756321-A-G. GRCh37 (hg19) VCF-style: chr19-47259578-A-G.
Other names: c.871A>G, p.Lys291Glu (NM_001039885.3); short protein forms K291E.
Identifiers: ClinVar variation 4257864 (VCV004257864.1).
Genomic context (GRCh38, chr19:46,756,321, plus strand): 5'-GCGCTGGGCATCCGCCTAGTGAGCTGGGAAGGCGGGCGGCTGGAGTGGTTCGGCTGCAAC[A>G]AGGAGACCACGCGCTGCTTCGGAACCGTGGTGGGCGACACGCCCGCCTACCTCTACGAGG-3'
Protein context (NP_077277.1, residues 281-301): GGRLEWFGCN[Lys291Glu]ETTRCFGTVV